The following is an entry in ClinVar:

ClinVar aggregate classification (germline): Uncertain significance (1 of 4 stars; one submission).

Conditions:
Autosomal recessive early-onset Parkinson disease 6 (PARK6). Also called: PARKINSON DISEASE 6, MODIFIER OF; PINK1-Related Parkinson Disease; PARKINSON DISEASE 6, EARLY-ONSET; PINK1 Type of Young-Onset Parkinson Disease. Identifiers: Orphanet 2828, MedGen C1853833, MONDO:0011613, OMIM 605909.

gnomAD v4.1: 1 of 1,612,978 alleles (0.000062%); highest among the groups gnomAD compares: South Asian, 0.0011%; no homozygotes.

Submission:

Department of Molecular Genetics, Istishari Arab Hospital
Classification: Uncertain significance for Autosomal recessive early-onset Parkinson disease 6. Last evaluated: 2026-04-16. Review status: criteria provided, single submitter. Criteria: ACMG Guidelines, 2015. Collection method: clinical testing. Allele origin: germline. Inheritance: Autosomal dominant inheritance. Affected: yes.
Comment: The PINK1 variant c.1255T>C, p.Ser419Pro causes an amino acid change from Ser to Pro at position 419. The variant is observed in the gnomAD v4.1.0 dataset (total allele frequency: <0.0001%) and, to the best of our knowledge, has not been previously reported in the literature. It is classified as a variant of uncertain significance according to the recommendations of ACMG/AMP/ClinGen SVI guidelines.

NM_032409.3(PINK1):c.1255T>C (p.Ser419Pro)

Genes: PINK1 (PTEN induced kinase 1; plus strand), PINK1-AS (PINK1 antisense RNA; minus strand). Cytogenetic location: 1p36.12.
Variant type: single nucleotide variant.
Coding change: c.1255T>C on transcript NM_032409.3 (MANE Select); coding-DNA position 1255, T replaced by C.
Protein change: p.Ser419Pro; replaces serine 419 with proline.
Molecular consequence: missense variant. On other transcripts: non-coding transcript variant (1).
Genome position (GRCh38, 1-based): chr1:20,648,998, T>C. VCF-style: chr1-20648998-T-C. GRCh37 (hg19) VCF-style: chr1-20975491-T-C.
Other names: p.Ser419Pro; short protein forms S419P.
Identifiers: ClinVar variation 4845204 (VCV004845204.1).